The following is an entry in ClinVar:

NM_000548.5(TSC2):c.4051G>T (p.Glu1351Ter)

Gene: TSC2 (TSC complex subunit 2; plus strand). Cytogenetic location: 16p13.3.
Variant type: single nucleotide variant.
Coding change: c.4051G>T on transcript NM_000548.5 (MANE Select); coding-DNA position 4051, G replaced by T.
Protein change: p.Glu1351Ter; replaces glutamic acid 1351 with a stop codon.
Molecular consequence: nonsense.
Genome position (GRCh38, 1-based): chr16:2,084,273, G>T. VCF-style: chr16-2084273-G-T. GRCh37 (hg19) VCF-style: chr16-2134274-G-T.
Other names: c.3850G>T, p.Glu1284Ter (NM_001077183.3); c.3982G>T, p.Glu1328Ter (NM_001114382.3); c.3742G>T, p.Glu1248Ter (NM_001318827.2); c.3706G>T, p.Glu1236Ter (NM_001318829.2); c.3319G>T, p.Glu1107Ter (NM_001318831.2); c.3883G>T, p.Glu1295Ter (NM_001318832.2); c.3853G>T, p.Glu1285Ter (NM_001363528.2); c.3919G>T, p.Glu1307Ter (NM_001370404.1); and 1 more; short protein forms E1107*, E1284*, E1285*, E1351*, E1295*, E1307*, E1236*, E1248*.
Identifiers: ClinVar variation 862394 (VCV000862394.9), dbSNP rs878854101, ClinGen allele CA394299330.
Genomic context (GRCh38, chr16:2,084,273, plus strand): 5'-GATGGTCCTTTCTAGTCGTCCTCAGTCTCCAGCCAGGAGGAGAAGTCGCTCCACGCGGAG[G>T]AGCTGGTTGGCAGGGGCATCCCCATCGAGCGAGTCGTCTCCTCGGAGGGTGGCCGGCCCT-3'

ClinVar aggregate classification (germline): Pathogenic (1 of 4 stars; one submission).

Conditions:
Tuberous sclerosis 2 (TSC2). Identifiers: Orphanet 805, MedGen C1860707, MONDO:0013199, OMIM 613254.

Submission:

Labcorp Genetics (formerly Invitae), Labcorp
Classification: Pathogenic for Tuberous sclerosis 2. Last evaluated: 2019-02-18. Review status: criteria provided, single submitter. Criteria: Invitae Variant Classification Sherloc (09022015). Collection method: clinical testing. Allele origin: germline.
Comment: This variant has been observed in individuals affected with tuberous sclerosis complex (PMID: 25432535, 26540169, 29932062). For these reasons, this variant has been classified as Pathogenic. Loss-of-function variants in TSC2 are known to be pathogenic (PMID: 10205261, 17304050). This variant is not present in population databases (ExAC no frequency). This sequence change creates a premature translational stop signal (p.Glu1351*) in the TSC2 gene. It is expected to result in an absent or disrupted protein product.

Literature cited by the submitters: PubMed 25432535; PubMed 26540169; PubMed 29932062; PubMed 10205261; PubMed 17304050.